The following is an entry in ClinVar:

NM_001031689.3(PLAA):c.461T>C (p.Val154Ala)

Gene: PLAA (phospholipase A2 activating protein; minus strand). Cytogenetic location: 9p21.2.
Variant type: single nucleotide variant.
Coding change: c.461T>C on transcript NM_001031689.3 (MANE Select); coding-DNA position 461, T replaced by C.
Protein change: p.Val154Ala; replaces valine 154 with alanine.
Molecular consequence: missense variant.
Genome position (GRCh38, 1-based): chr9:26,928,204, A>G on the plus strand (T>C on the coding strand, the complement: PLAA is on the minus strand). VCF-style: chr9-26928204-A-G. GRCh37 (hg19) VCF-style: chr9-26928202-A-G.
Other names: c.461T>C, p.Val154Ala (NM_001321546.2); short protein forms V154A.
Identifiers: ClinVar variation 2711163 (VCV002711163.3), dbSNP rs1317321787, ClinGen allele CA373134053.

ClinVar aggregate classification (germline): Uncertain significance (1 of 4 stars; one submission).

Allele frequency attached by ClinVar (database versions not stated): gnomAD exomes below 0.00001; TOPMed 0.00001.
gnomAD v4.1: 2 of 1,614,164 alleles (0.00012%); highest among the groups gnomAD compares: Admixed American, 0.0017%; no homozygotes.

Submission:

Labcorp Genetics (formerly Invitae), Labcorp
Classification: Uncertain significance. Last evaluated: 2023-05-16. Review status: criteria provided, single submitter. Criteria: Invitae Variant Classification Sherloc (09022015). Collection method: clinical testing. Allele origin: germline.
Comment: This sequence change replaces valine, which is neutral and non-polar, with alanine, which is neutral and non-polar, at codon 154 of the PLAA protein (p.Val154Ala). This variant is present in population databases (no rsID available, gnomAD 0.006%). This variant has not been reported in the literature in individuals affected with PLAA-related conditions. Advanced modeling of protein sequence and biophysical properties (such as structural, functional, and spatial information, amino acid conservation, physicochemical variation, residue mobility, and thermodynamic stability) performed at Invitae indicates that this missense variant is expected to disrupt PLAA protein function. In summary, the available evidence is currently insufficient to determine the role of this variant in disease. Therefore, it has been classified as a Variant of Uncertain Significance.